The following is an entry in ClinVar:

NM_022168.4(IFIH1):c.3050A>G (p.Glu1017Gly)

Gene: IFIH1 (interferon induced with helicase C domain 1; minus strand). Cytogenetic location: 2q24.2.
Variant type: single nucleotide variant.
Coding change: c.3050A>G on transcript NM_022168.4 (MANE Select); coding-DNA position 3050, A replaced by G.
Protein change: p.Glu1017Gly; replaces glutamic acid 1017 with glycine.
Molecular consequence: missense variant.
Genome position (GRCh38, 1-based): chr2:162,267,228, T>C on the plus strand (A>G on the coding strand, the complement: IFIH1 is on the minus strand). VCF-style: chr2-162267228-T-C. GRCh37 (hg19) VCF-style: chr2-163123738-T-C.
Other names: short protein forms E1017G.
Identifiers: ClinVar variation 2127706 (VCV002127706.4), dbSNP rs1690941587, ClinGen allele CA348988751.

ClinVar aggregate classification (germline): Uncertain significance (1 of 4 stars; one submission).

Conditions:
Singleton-Merten syndrome 1 (SGMRT1). Also called: Widened medullary cavities of bone, aortic calcification, abnormal dentition, and muscular weakness; Syndrome of widened medullary cavities of the metacarpals and phalanges, aortic calcification and abnormal dentition. Identifiers: Orphanet 85191, MedGen C4225427, MONDO:0024535, OMIM 182250.
Aicardi-Goutieres syndrome 7 (AGS7). Identifiers: Orphanet 51, MedGen C3888244, MONDO:0014367, OMIM 615846.

Submission:

Labcorp Genetics (formerly Invitae), Labcorp
Classification: Uncertain significance for Aicardi-Goutieres syndrome 7; Singleton-Merten syndrome 1. Last evaluated: 2022-04-18. Review status: criteria provided, single submitter. Criteria: Invitae Variant Classification Sherloc (09022015). Collection method: clinical testing. Allele origin: germline.
Comment: This sequence change replaces glutamic acid, which is acidic and polar, with glycine, which is neutral and non-polar, at codon 1017 of the IFIH1 protein (p.Glu1017Gly). In summary, the available evidence is currently insufficient to determine the role of this variant in disease. Therefore, it has been classified as a Variant of Uncertain Significance. Algorithms developed to predict the effect of missense changes on protein structure and function are either unavailable or do not agree on the potential impact of this missense change (SIFT: "Deleterious"; PolyPhen-2: "Possibly Damaging"; Align-GVGD: "Class C0"). This variant has not been reported in the literature in individuals affected with IFIH1-related conditions. This variant is not present in population databases (gnomAD no frequency).